The following is an entry in ClinVar:

NM_000478.6(ALPL):c.862+51G>A

Gene: ALPL (alkaline phosphatase, biomineralization associated; plus strand). Cytogenetic location: 1p36.12.
Variant type: single nucleotide variant.
Coding change: c.862+51G>A on transcript NM_000478.6 (MANE Select); 51 bases into the intron after coding-DNA position 862, G replaced by A.
Molecular consequence: intron variant.
Genome position (GRCh38, 1-based): chr1:21,570,425, G>A. VCF-style: chr1-21570425-G-A. GRCh37 (hg19) VCF-style: chr1-21896918-G-A.
Other names: c.862+51G>A (NM_001369805.2, NM_001369804.2, NM_001369803.2); c.697+51G>A (NM_001127501.4); c.631+51G>A (NM_001177520.3).
Identifiers: ClinVar variation 1177589 (VCV001177589.7), dbSNP rs2275376, ClinGen allele CA666650.
Genomic context (GRCh38, chr1:21,570,425, plus strand): 5'-TACCTATTGGGTAAGTGGAGGGGGTGGAGGGGAGGATGCATGGCTCGGAGCCTGGTGGCC[G>A]GAGCTGCGTGTGGCCAGCACCTGGGGACAAGGCCCTAGCCTGACGCCCACTTAGGGGCCT-3'

ClinVar aggregate classification (germline): Benign. Review status: criteria provided, multiple submitters, no conflicts (2 of 4 stars). 6 submissions from 4 submitters: Benign (6). Last evaluated 2025-08-29.

Conditions:
Hypophosphatasia. Also called: Phosphoethanol-aminuria. Identifiers: Orphanet 436, MedGen C0020630, MeSH D007014, MONDO:0018570.
Adult hypophosphatasia. Identifiers: Orphanet 247676, Orphanet 436, MedGen C0268413, MONDO:1010154, OMIM 146300, MONDO:0007798.
Infantile hypophosphatasia. Identifiers: Orphanet 247651, Orphanet 436, MedGen C0268412, MONDO:1010169, OMIM 241500, MONDO:0009427.
Childhood hypophosphatasia. Identifiers: Orphanet 247667, Orphanet 436, MedGen C0220743, MONDO:1010168, OMIM 241510, MONDO:0009428.

Allele frequency attached by ClinVar (database versions not stated): gnomAD 0.18470 and 0.17994; TOPMed 0.19179; 1000 Genomes Project 30x 0.26780; 1000 Genomes Project 0.26857; ESP Exome Variant Server 0.15993; ExAC 0.17561; gnomAD exomes 0.18254.
gnomAD v4.1: 228,945 of 1,578,162 alleles (15%); highest among the groups gnomAD compares: East Asian, 50%; 21,470 homozygotes.

Submissions (6):

Genomenon, Inc
Classification: Benign for Hypophosphatasia. Last evaluated: 2025-08-29. Review status: criteria provided, single submitter. Criteria: Genomenon Sequence Variant Interpretation Standards. Collection method: curation. Allele origin: germline. Affected: no.
Comment: ALPL c.862+51G>A is an intronic variant located in intron 8. This variant is present at high allele frequency in population databases. In conclusion, we classify ALPL c.862+51G>A as a benign variant.

Genome-Nilou Lab
Classification: Benign for Infantile hypophosphatasia. Last evaluated: 2021-07-01. Review status: criteria provided, single submitter. Criteria: ACMG Guidelines, 2015. Collection method: clinical testing. Allele origin: germline. Affected: no.

Genome-Nilou Lab
Classification: Benign for Childhood hypophosphatasia. Last evaluated: 2021-07-01. Review status: criteria provided, single submitter. Criteria: ACMG Guidelines, 2015. Collection method: clinical testing. Allele origin: germline. Affected: no.

Genome-Nilou Lab
Classification: Benign for Adult hypophosphatasia. Last evaluated: 2021-07-01. Review status: criteria provided, single submitter. Criteria: ACMG Guidelines, 2015. Collection method: clinical testing. Allele origin: germline. Affected: no.

GeneDx
Classification: Benign. Last evaluated: 2018-08-20. Review status: criteria provided, single submitter. Criteria: GeneDx Variant Classification Process June 2021. Collection method: clinical testing. Allele origin: germline. Affected: yes.

Breakthrough Genomics
Classification: Benign. Review status: criteria provided, single submitter. Criteria: ACMG Guidelines, 2015. Collection method: not provided. Allele origin: germline. Inheritance: Autosomal recessive inheritance. Affected: yes.